The following is an entry in ClinVar:

NM_002381.5(MATN3):c.59T>C (p.Leu20Pro)

Gene: MATN3 (matrilin 3; minus strand). Cytogenetic location: 2p24.1.
Variant type: single nucleotide variant.
Coding change: c.59T>C on transcript NM_002381.5 (MANE Select); coding-DNA position 59, T replaced by C.
Protein change: p.Leu20Pro; replaces leucine 20 with proline.
Molecular consequence: missense variant.
Genome position (GRCh38, 1-based): chr2:20,012,573, A>G on the plus strand (T>C on the coding strand, the complement: MATN3 is on the minus strand). VCF-style: chr2-20012573-A-G. GRCh37 (hg19) VCF-style: chr2-20212334-A-G.
Other names: short protein forms L20P.
Identifiers: ClinVar variation 1404464 (VCV001404464.8), dbSNP rs2103487223, ClinGen allele CA345951870.

ClinVar aggregate classification (germline): Uncertain significance (1 of 4 stars; one submission).

Allele frequency attached by ClinVar (database versions not stated): gnomAD exomes below 0.00001.
gnomAD v4.1: 2 of 1,225,690 alleles (0.00016%); highest among the groups gnomAD compares: Non-Finnish European, 0.0002%; no homozygotes.

Submission:

Labcorp Genetics (formerly Invitae), Labcorp
Classification: Uncertain significance. Last evaluated: 2021-07-06. Review status: criteria provided, single submitter. Criteria: Invitae Variant Classification Sherloc (09022015). Collection method: clinical testing. Allele origin: germline.
Comment: This sequence change replaces leucine with proline at codon 20 of the MATN3 protein (p.Leu20Pro). The leucine residue is moderately conserved and there is a moderate physicochemical difference between leucine and proline. The frequency data for this variant in the population databases is considered unreliable, as metrics indicate insufficient coverage at this position in the ExAC database. In summary, the available evidence is currently insufficient to determine the role of this variant in disease. Therefore, it has been classified as a Variant of Uncertain Significance. Algorithms developed to predict the effect of missense changes on protein structure and function are either unavailable or do not agree on the potential impact of this missense change (SIFT: "Deleterious"; PolyPhen-2: "Not Available"; Align-GVGD: "Class C0"). This variant has not been reported in the literature in individuals affected with MATN3-related conditions.